The following is an entry in ClinVar:

NM_001330700.2(TOP2B):c.1230G>A (p.Gly410=)

Gene: TOP2B (DNA topoisomerase II beta; minus strand). Cytogenetic location: 3p24.2.
Variant type: single nucleotide variant.
Coding change: c.1230G>A on transcript NM_001330700.2 (MANE Select); coding-DNA position 1230, G replaced by A.
Protein change: p.Gly410=; no amino-acid change (glycine 410 retained).
Molecular consequence: synonymous variant.
Genome position (GRCh38, 1-based): chr3:25,632,482, C>T on the plus strand (G>A on the coding strand, the complement: TOP2B is on the minus strand). VCF-style: chr3-25632482-C-T. GRCh37 (hg19) VCF-style: chr3-25673973-C-T.
Other names: c.1215G>A, p.Gly405= (NM_001068.3).
Identifiers: ClinVar variation 3694717 (VCV003694717.3).

ClinVar aggregate classification (germline): Conflicting classifications of pathogenicity. Review status: criteria provided, conflicting classifications (1 of 4 stars). 2 submissions from 2 submitters: Uncertain significance (1); Likely benign (1). Last evaluated 2025-04-22.

Submissions (2):

Labcorp Genetics (formerly Invitae), Labcorp
Classification: Uncertain significance. Last evaluated: 2025-04-22. Review status: criteria provided, single submitter. Criteria: Invitae Variant Classification Sherloc (09022015). Collection method: clinical testing. Allele origin: germline.
Comment: This sequence change affects codon 405 of the TOP2B mRNA. It is a 'silent' change, meaning that it does not change the encoded amino acid sequence of the TOP2B protein. This variant is not present in population databases (gnomAD no frequency). This variant has not been reported in the literature in individuals affected with TOP2B-related conditions. ClinVar contains an entry for this variant (Variation ID: 3694717). Algorithms developed to predict the effect of sequence changes on RNA splicing suggest that this variant may create or strengthen a splice site. In summary, the available evidence is currently insufficient to determine the role of this variant in disease. Therefore, it has been classified as a Variant of Uncertain Significance.

Blueprint Genetics
Classification: Likely benign. Last evaluated: 2023-07-27. Review status: criteria provided, single submitter. Criteria: ACMG Guidelines, 2015. Collection method: clinical testing. Allele origin: germline.